The following is an entry in ClinVar:

NM_004655.4(AXIN2):c.6_8dup (p.Ser3_Ala4insSer)

Gene: AXIN2 (axin 2; minus strand). Cytogenetic location: 17q24.1.
Variant type: Duplication.
Coding change: c.6_8dup on transcript NM_004655.4 (MANE Select); coding-DNA positions 6 to 8, 3 bases duplicated (TAG; older notation c.6_8dupTAG).
Protein change: p.Ser3_Ala4insSer.
Molecular consequence: inframe insertion.
Genome position (GRCh38, 1-based): chr17:65,558,613-65,558,615, CTA duplicated on the plus strand (TAG on the coding strand, the reverse complement: AXIN2 is on the minus strand); duplicating any 3 consecutive bases within chr17:65,558,613-65,558,617 gives the same sequence; the c. name uses the placement nearest the transcript's 3' end. VCF-style (leftmost placement, unchanged base first): chr17-65558612-G-GCTA. GRCh37 (hg19) VCF-style: chr17-63554730-G-GCTA.
Other names: c.6_8dup, p.Ser3_Ala4insSer (NM_001363813.1); c.6_8dupTAG (NM_004655.3).
Identifiers: ClinVar variation 2078826 (VCV002078826.5), dbSNP rs2544256498, ClinGen allele CA2580095221.

ClinVar aggregate classification (germline): Uncertain significance. Review status: criteria provided, multiple submitters, no conflicts (2 of 4 stars). 2 submissions from 2 submitters: Uncertain significance (2). Last evaluated 2025-01-25.

Conditions:
Hereditary cancer-predisposing syndrome. Also called: Hereditary Cancer Syndrome; Tumor predisposition; Hereditary neoplastic syndrome; Neoplastic Syndromes, Hereditary. Identifiers: Orphanet 140162, MedGen C0027672, MeSH D009386, MONDO:0015356.
Oligodontia-cancer predisposition syndrome. Also called: TOOTH AGENESIS-COLORECTAL CANCER SYNDROME. Identifiers: Orphanet 300576, MedGen C1837750, MONDO:0012075, OMIM 608615. Disease mechanism: loss of function.

Submissions (2):

Ambry Genetics
Classification: Uncertain significance for Hereditary cancer-predisposing syndrome. Last evaluated: 2025-01-25. Review status: criteria provided, single submitter. Criteria: Ambry Variant Classification Scheme 2023. Collection method: clinical testing. Allele origin: germline.
Comment: The c.6_8dupTAG variant (also known as p.S3dup), located in coding exon 1 of the AXIN2 gene, results from an in-frame duplication of TAG at nucleotide positions 6 to 8. This results in the duplication of a serine residue at codon 3. This amino acid position is not well conserved in available vertebrate species. In addition, this alteration is predicted to be neutral by in silico analysis (Choi Y et al. PLoS ONE. 2012; 7(10):e46688). Based on the available evidence, the clinical significance of this variant remains unclear.

Labcorp Genetics (formerly Invitae), Labcorp
Classification: Uncertain significance for Oligodontia-cancer predisposition syndrome. Last evaluated: 2022-08-10. Review status: criteria provided, single submitter. Criteria: Invitae Variant Classification Sherloc (09022015). Collection method: clinical testing. Allele origin: germline.
Comment: This variant is not present in population databases (gnomAD no frequency). In summary, the available evidence is currently insufficient to determine the role of this variant in disease. Therefore, it has been classified as a Variant of Uncertain Significance. This variant has not been reported in the literature in individuals affected with AXIN2-related conditions. This variant, c.6_8dup, results in the insertion of 1 amino acid(s) of the AXIN2 protein (p.Ser3dup), but otherwise preserves the integrity of the reading frame.